The following is an entry in ClinVar:

ClinVar aggregate classification (germline): Uncertain significance (1 of 4 stars; one submission).

Conditions:
Cardiovascular phenotype. Identifiers: MedGen CN230736.

gnomAD v4.1: 1 of 1,604,544 alleles (0.000062%); no homozygotes.

Submission:

Ambry Genetics
Classification: Uncertain significance for Cardiovascular phenotype. Last evaluated: 2022-03-24. Review status: criteria provided, single submitter. Criteria: Ambry Variant Classification Scheme 2023. Collection method: clinical testing. Allele origin: germline.
Comment: The p.Q199H variant (also known as c.597G>C), located in coding exon 1 of the HCN4 gene, results from a G to C substitution at nucleotide position 597. The glutamine at codon 199 is replaced by histidine, an amino acid with highly similar properties. This amino acid position is highly conserved in available vertebrate species. In addition, the in silico prediction for this alteration is inconclusive. Since supporting evidence is limited at this time, the clinical significance of this alteration remains unclear.

NM_005477.3(HCN4):c.597G>C (p.Gln199His)

Gene: HCN4 (hyperpolarization activated cyclic nucleotide gated potassium channel 4; minus strand). Cytogenetic location: 15q24.1.
Variant type: single nucleotide variant.
Coding change: c.597G>C on transcript NM_005477.3 (MANE Select); coding-DNA position 597, G replaced by C.
Protein change: p.Gln199His; replaces glutamine 199 with histidine.
Molecular consequence: missense variant.
Genome position (GRCh38, 1-based): chr15:73,367,674, C>G on the plus strand (G>C on the coding strand, the complement: HCN4 is on the minus strand). VCF-style: chr15-73367674-C-G. GRCh37 (hg19) VCF-style: chr15-73660015-C-G.
Other names: short protein forms Q199H.
Identifiers: ClinVar variation 1750832 (VCV001750832.2), dbSNP rs768734319, ClinGen allele CA393097523.
Genomic context (GRCh38, chr15:73,367,674, plus strand): 5'-CCCGAACTGGCGCTGCATGAAGCCGGCCTGGCCCAGGCGCACCTCGGCCTCCGGGAGGAT[C>G]TGGTCGCCGGCAGCCGCGCCTCCCTCCACTTTGATAGCGGTGTCCACCGAGGGCTGCTCG-3'
Protein context (NP_005468.1, residues 189-209): KVEGGAAAGD[Gln199His]ILPEAEVRLG